The following is an entry in ClinVar:

ClinVar aggregate classification (germline): Uncertain significance. Review status: criteria provided, multiple submitters, no conflicts (2 of 4 stars). 2 submissions from 2 submitters: Uncertain significance (2). Last evaluated 2025-10-06.

Conditions:
Gastrointestinal stromal tumor. Also called: Gastrointestinal stroma tumor; Gastrointestinal stromal tumor, somatic. Identifiers: Orphanet 44890, MedGen C0238198, MeSH D046152, MONDO:0011719, OMIM 606764, HP:0100723.
Hereditary cancer-predisposing syndrome. Also called: Neoplastic Syndromes, Hereditary; Hereditary Cancer Syndrome; Hereditary neoplastic syndrome; Tumor predisposition. Identifiers: Orphanet 140162, MedGen C0027672, MeSH D009386, MONDO:0015356.

Submissions (2):

Labcorp Genetics (formerly Invitae), Labcorp
Classification: Uncertain significance for Gastrointestinal stromal tumor. Last evaluated: 2025-10-06. Review status: criteria provided, single submitter. Criteria: Invitae Variant Classification Sherloc (09022015). Collection method: clinical testing. Allele origin: germline.
Comment: This sequence change replaces serine, which is neutral and polar, with phenylalanine, which is neutral and non-polar, at codon 451 of the KIT protein (p.Ser451Phe). This variant is not present in population databases (gnomAD no frequency). This variant has not been reported in the literature in individuals affected with KIT-related conditions. ClinVar contains an entry for this variant (Variation ID: 409756). An algorithm developed to predict the effect of missense changes on protein structure and function (PolyPhen-2) suggests that this variant is likely to be tolerated. In summary, the available evidence is currently insufficient to determine the role of this variant in disease. Therefore, it has been classified as a Variant of Uncertain Significance.

Ambry Genetics
Classification: Uncertain significance for Hereditary cancer-predisposing syndrome. Last evaluated: 2025-06-06. Review status: criteria provided, single submitter. Criteria: Ambry Variant Classification Scheme 2023. Collection method: clinical testing. Allele origin: germline.
Comment: The p.S451F variant (also known as c.1352C>T), located in coding exon 9 of the KIT gene, results from a C to T substitution at nucleotide position 1352. The serine at codon 451 is replaced by phenylalanine, an amino acid with highly dissimilar properties. This amino acid position is not well conserved in available vertebrate species. In addition, this alteration is predicted to be tolerated by in silico analysis. Based on the available evidence, the clinical significance of this variant remains unclear.

NM_000222.3(KIT):c.1352C>T (p.Ser451Phe)

Gene: KIT (KIT proto-oncogene, receptor tyrosine kinase; plus strand). Cytogenetic location: 4q12.
Variant type: single nucleotide variant.
Coding change: c.1352C>T on transcript NM_000222.3 (MANE Select); coding-DNA position 1352, C replaced by T.
Protein change: p.Ser451Phe; replaces serine 451 with phenylalanine.
Molecular consequence: missense variant.
Genome position (GRCh38, 1-based): chr4:54,725,862, C>T. VCF-style: chr4-54725862-C-T. GRCh37 (hg19) VCF-style: chr4-55592028-C-T.
Other names: c.1352C>T, p.Ser451Phe (NM_001093772.2, NM_001385285.1, NM_001385286.1); c.1355C>T, p.Ser452Phe (NM_001385284.1, NM_001385288.1, NM_001385290.1 and 1 more transcripts); short protein forms S451F, S452F.
Identifiers: ClinVar variation 409756 (VCV000409756.8), dbSNP rs1060502556, ClinGen allele CA16611498.